The following is an entry in ClinVar:

NM_020843.4(SCAPER):c.1249-6T>G

Gene: SCAPER (S-phase cyclin A associated protein in the ER; minus strand). Cytogenetic location: 15q24.3.
Variant type: single nucleotide variant.
Coding change: c.1249-6T>G on transcript NM_020843.4 (MANE Select); 6 bases into the intron before coding-DNA position 1249, T replaced by G.
Molecular consequence: intron variant.
Genome position (GRCh38, 1-based): chr15:76,767,094, A>C on the plus strand (T>G on the coding strand, the complement: SCAPER is on the minus strand). VCF-style: chr15-76767094-A-C. GRCh37 (hg19) VCF-style: chr15-77059435-A-C.
Other names: c.865-6T>G (NM_001353011.2); c.847-6T>G (NM_001353012.2, NM_001353010.2); c.1267-6T>G (NM_001353009.2); c.511-6T>G (NM_001145923.2).
Identifiers: ClinVar variation 4978649 (VCV004978649.1).

ClinVar aggregate classification (germline): Likely benign (1 of 4 stars; one submission).

Conditions:
SCAPER-related disorder. Also called: SCAPER-related condition.

gnomAD v4.1: 39 of 1,565,128 alleles (0.0025%); highest among the groups gnomAD compares: South Asian, 0.035%; 1 homozygote.

Submission:

PreventionGenetics, part of Exact Sciences
Classification: Likely benign for SCAPER-related condition. Last evaluated: 2025-06-11. Review status: criteria provided, single submitter. Criteria: ACMG Guidelines, 2015. Collection method: clinical testing. Allele origin: germline.
Comment: This variant is classified as likely benign based on ACMG/AMP sequence variant interpretation guidelines (Richards et al. 2015 PMID: 25741868, with internal and published modifications).